The following is an entry in ClinVar:

NM_005633.4(SOS1):c.-2C>T

Genes: SOS1 (SOS Ras/Rac guanine nucleotide exchange factor 1; minus strand), LOC129933535 (ATAC-STARR-seq lymphoblastoid silent region 11384; plus strand). Cytogenetic location: 2p22.1.
Variant type: single nucleotide variant.
Coding change: c.-2C>T on transcript NM_005633.4 (MANE Select); 2 bases upstream of the start codon, C replaced by T.
Molecular consequence: 5 prime UTR variant. On other transcripts: intron variant (1).
Genome position (GRCh38, 1-based): chr2:39,120,424, G>A on the plus strand (C>T on the coding strand, the complement: SOS1 is on the minus strand). VCF-style: chr2-39120424-G-A. GRCh37 (hg19) VCF-style: chr2-39347565-G-A.
Other names: c.-2C>T (NM_001382395.1); c.66+4240C>T (NM_001382394.1).
Identifiers: ClinVar variation 4614973 (VCV004614973.1).

ClinVar aggregate classification (germline): Uncertain significance (1 of 4 stars; one submission).

Conditions:
Cardiovascular phenotype. Identifiers: MedGen CN230736.

gnomAD v4.1: 1 of 1,585,460 alleles (0.000063%); highest among the groups gnomAD compares: South Asian, 0.0011%; no homozygotes.

Submission:

Ambry Genetics
Classification: Uncertain significance for Cardiovascular phenotype. Last evaluated: 2025-09-24. Review status: criteria provided, single submitter. Criteria: Ambry Variant Classification Scheme 2023. Collection method: clinical testing. Allele origin: germline.
Comment: The c.-2C>T variant is located in the 5' untranslated region (5&rsquo;UTR) of the SOS1 gene. This variant results from a C to T substitution 2 nucleotides upstream from the first translated codon. This variant was reported in individual(s) with features consistent with hypertrophic cardiomyopathy (Ambry internal data). This nucleotide position is highly conserved in available vertebrate species. Based on the available evidence, the clinical significance of this variant remains unclear.